The following is an entry in ClinVar:

ClinVar aggregate classification (germline): Conflicting classifications of pathogenicity. Review status: criteria provided, conflicting classifications (1 of 4 stars). 6 submissions from 6 submitters: Likely pathogenic (1); Uncertain significance (5). Last evaluated 2026-09-22.

Conditions:
DYNC2H1-related disorder. Also called: DYNC2H1-related disorders; DYNC2H1-related condition. Identifiers: MedGen CN378770.
Inborn genetic diseases. Identifiers: MedGen C0950123, MeSH D030342.
Jeune thoracic dystrophy. Also called: Jeune syndrome; Infantile thoracic dystrophy; Thoracic pelvic phalangeal dystrophy; Jeune's syndrome; Chondroectodermal dysplasia-like syndrome; Short-rib thoracic dysplasia. Identifiers: Orphanet 474, MedGen C0265275, MONDO:0018770.

Allele frequency attached by ClinVar (database versions not stated): gnomAD exomes 0.00003 and 0.00006; ESP Exome Variant Server 0.00017; gnomAD 0.00005 and 0.00006; TOPMed 0.00008; ExAC 0.00008.
gnomAD v4.1: 63 of 1,592,554 alleles (0.004%); highest among the groups gnomAD compares: Admixed American, 0.021%; no homozygotes.

Submissions (6):

GeneDx
Classification: Uncertain significance. Last evaluated: 2026-09-22. Review status: criteria provided, single submitter. Criteria: GeneDx Variant Classification Process June 2021. Collection method: clinical testing. Allele origin: germline.
Comment: Identified via genome sequencing in a hospitalized infant with a suspected genetic disorder, but no other phenotypic information was provided (PMID: 37432431); In silico analysis suggests that this missense variant does not alter protein structure/function; This variant is associated with the following publications: (PMID: 37432431)

PreventionGenetics, part of Exact Sciences
Classification: Likely pathogenic for DYNC2H1-related condition. Last evaluated: 2025-09-19. Review status: criteria provided, single submitter. Criteria: ACMG Guidelines, 2015. Collection method: clinical testing. Allele origin: germline.
Comment: The DYNC2H1 c.5821G>C variant is predicted to result in the amino acid substitution p.Ala1941Pro. This variant has been reported as of uncertain significance in a cohort study of infants with suspected genetic disorders; however, no clinical or additional information was provided (eTable 2, Maron et al. 2023. PubMed ID: 37432431). This variant is reported in 0.016% of alleles in individuals of Latino descent in gnomAD. This variant has been reported in the compound heterozygous state, along with a pathogenic variant in the same gene, in two unrelated fetuses presenting with features of a DYNC2H1-related condition (PreventionGenetics, Internal Data). This variant is interpreted as likely pathogenic.

Ambry Genetics
Classification: Uncertain significance for Inborn genetic diseases. Last evaluated: 2025-09-09. Review status: criteria provided, single submitter. Criteria: Ambry Variant Classification Scheme 2023. Collection method: clinical testing. Allele origin: germline.

Labcorp Genetics (formerly Invitae), Labcorp
Classification: Uncertain significance for Jeune thoracic dystrophy. Last evaluated: 2022-10-24. Review status: criteria provided, single submitter. Criteria: Invitae Variant Classification Sherloc (09022015). Collection method: clinical testing. Allele origin: germline.
Comment: This sequence change replaces alanine, which is neutral and non-polar, with proline, which is neutral and non-polar, at codon 1941 of the DYNC2H1 protein (p.Ala1941Pro). This variant is present in population databases (rs368058473, gnomAD 0.02%). This variant has not been reported in the literature in individuals affected with DYNC2H1-related conditions. ClinVar contains an entry for this variant (Variation ID: 167012). Advanced modeling of protein sequence and biophysical properties (such as structural, functional, and spatial information, amino acid conservation, physicochemical variation, residue mobility, and thermodynamic stability) performed at Invitae indicates that this missense variant is not expected to disrupt DYNC2H1 protein function. In summary, the available evidence is currently insufficient to determine the role of this variant in disease. Therefore, it has been classified as a Variant of Uncertain Significance.

Genetic Services Laboratory, University of Chicago
Classification: Uncertain significance. Last evaluated: 2019-09-12. Review status: criteria provided, single submitter. Criteria: ACMG Guidelines, 2015. Collection method: clinical testing. Allele origin: germline. Affected: no.

Eurofins Ntd Llc (ga)
Classification: Uncertain significance. Last evaluated: 2014-04-27. Review status: criteria provided, single submitter. Criteria: EGL Classification Definitions 2015. Collection method: clinical testing. Allele origin: germline. Observed: 2 variant alleles, 2 heterozygotes.

NM_001377.3(DYNC2H1):c.5821G>C (p.Ala1941Pro)

Gene: DYNC2H1 (dynein cytoplasmic 2 heavy chain 1; plus strand). Cytogenetic location: 11q22.3.
Variant type: single nucleotide variant.
Coding change: c.5821G>C on transcript NM_001377.3 (MANE Select); coding-DNA position 5821, G replaced by C.
Protein change: p.Ala1941Pro; replaces alanine 1941 with proline.
Molecular consequence: missense variant.
Genome position (GRCh38, 1-based): chr11:103,176,381, G>C. VCF-style: chr11-103176381-G-C. GRCh37 (hg19) VCF-style: chr11-103047110-G-C.
Other names: c.5821G>C, p.Ala1941Pro (NM_001080463.2); short protein forms A1941P.
Identifiers: ClinVar variation 167012 (VCV000167012.22), dbSNP rs368058473, ClinGen allele CA233922.